The following is an entry in ClinVar:

ClinVar aggregate classification (germline): Uncertain significance (1 of 4 stars; one submission).

Conditions:
Parathyroid carcinoma (PRTC). Also called: CDC73-Related Parathyroid Carcinoma; Parathyroid gland carcinoma. Identifiers: Orphanet 143, MedGen C0687150, MONDO:0012004, OMIM 608266, HP:0006780.

Submission:

Labcorp Genetics (formerly Invitae), Labcorp
Classification: Uncertain significance for Parathyroid carcinoma. Last evaluated: 2025-10-01. Review status: criteria provided, single submitter. Criteria: Invitae Variant Classification Sherloc (09022015). Collection method: clinical testing. Allele origin: germline.
Comment: This sequence change replaces aspartic acid, which is acidic and polar, with alanine, which is neutral and non-polar, at codon 215 of the CDC73 protein (p.Asp215Ala). This variant is not present in population databases (gnomAD no frequency). This variant has not been reported in the literature in individuals affected with CDC73-related conditions. ClinVar contains an entry for this variant (Variation ID: 2812745). Invitae Evidence Modeling of protein sequence and biophysical properties (such as structural, functional, and spatial information, amino acid conservation, physicochemical variation, residue mobility, and thermodynamic stability) indicates that this missense variant is not expected to disrupt CDC73 protein function with a negative predictive value of 80%. In summary, the available evidence is currently insufficient to determine the role of this variant in disease. Therefore, it has been classified as a Variant of Uncertain Significance.

NM_024529.5(CDC73):c.644A>C (p.Asp215Ala)

Gene: CDC73 (cell division cycle 73; plus strand). Cytogenetic location: 1q31.2.
Variant type: single nucleotide variant.
Coding change: c.644A>C on transcript NM_024529.5 (MANE Select); coding-DNA position 644, A replaced by C.
Protein change: p.Asp215Ala; replaces aspartic acid 215 with alanine.
Molecular consequence: missense variant.
Genome position (GRCh38, 1-based): chr1:193,141,981, A>C. VCF-style: chr1-193141981-A-C. GRCh37 (hg19) VCF-style: chr1-193111111-A-C.
Other names: short protein forms D215A.
Identifiers: ClinVar variation 2812745 (VCV002812745.3), dbSNP rs2527324577, ClinGen allele CA343962655.